The following is an entry in ClinVar:

ClinVar aggregate classification (germline): Likely pathogenic (1 of 4 stars; one submission).

Submission:

Labcorp Genetics (formerly Invitae), Labcorp
Classification: Likely pathogenic. Last evaluated: 2024-10-26. Review status: criteria provided, single submitter. Criteria: Invitae Variant Classification Sherloc (09022015). Collection method: clinical testing. Allele origin: germline.
Comment: This variant results in the deletion of part of exon 8 (c.829-1_840del) of the IMPG2 gene. It is expected to disrupt RNA splicing. Variants that disrupt the donor or acceptor splice site typically lead to a loss of protein function (PMID: 16199547), and loss-of-function variants in IMPG2 are known to be pathogenic (PMID: 20673862). This variant is not present in population databases (gnomAD no frequency). This variant has been observed in individual(s) with retinitis pigmentosa (internal data). ClinVar contains an entry for this variant (Variation ID: 1994904). In summary, the currently available evidence indicates that the variant is pathogenic, but additional data are needed to prove that conclusively. Therefore, this variant has been classified as Likely Pathogenic.

Literature cited by the submitters: PubMed 16199547; PubMed 20673862.

NM_016247.4(IMPG2):c.829-1_840del

Gene: IMPG2 (interphotoreceptor matrix proteoglycan 2; minus strand). Cytogenetic location: 3q12.3.
Variant type: Deletion.
Coding change: c.829-1_840del on transcript NM_016247.4 (MANE Select); the canonical splice acceptor site of the intron before coding-DNA position 829 through coding-DNA position 840, 13 bases deleted (GGTTGAAAATGCA).
Molecular consequence: splice acceptor variant.
Genome position (GRCh38, 1-based): chr3:101,269,562-101,269,574, TGCATTTTCAACC deleted on the plus strand (GGTTGAAAATGCA on the coding strand, the reverse complement: IMPG2 is on the minus strand); deleting any 13 consecutive bases within chr3:101,269,562-101,269,576 gives the same sequence; the c. name uses the placement nearest the transcript's 3' end. VCF-style (leftmost placement, unchanged base first): chr3-101269561-ATGCATTTTCAACC-A. GRCh37 (hg19) VCF-style: chr3-100988405-ATGCATTTTCAACC-A.
Identifiers: ClinVar variation 1994904 (VCV001994904.4), dbSNP rs2508989619, ClinGen allele CA2580068539.